The following is an entry in ClinVar:

NM_017752.3(TBC1D8B):c.738G>C (p.Gln246His)

Gene: TBC1D8B (TBC1 domain family member 8B; plus strand). Cytogenetic location: Xq22.3.
Variant type: single nucleotide variant.
Coding change: c.738G>C on transcript NM_017752.3 (MANE Select); coding-DNA position 738, G replaced by C.
Protein change: p.Gln246His; replaces glutamine 246 with histidine.
Molecular consequence: missense variant.
Genome position (GRCh38, 1-based): chrX:106,823,377, G>C. VCF-style: chrX-106823377-G-C. GRCh37 (hg19) VCF-style: chrX-106066607-G-C.
Other names: Q256H; c.738G>C, p.Gln246His (NM_198881.2); short protein forms Q246H.
Identifiers: ClinVar variation 635779 (VCV000635779.4), dbSNP rs761410195, ClinGen allele CA10483003.

ClinVar aggregate classification (germline): Likely pathogenic. Review status: criteria provided, single submitter (1 of 4 stars). 2 submissions from 2 submitters: Likely pathogenic (1). 1 of the submissions does not count toward it. Last evaluated 2019-08-20.

Conditions:
Nephrotic syndrome, type 20. Identifiers: MedGen C5193011, MONDO:0026726, OMIM 301028.

Allele frequency attached by ClinVar (database versions not stated): gnomAD exomes below 0.00001 and 0.00001; ExAC 0.00001.
gnomAD v4.1: 5 of 1,210,380 alleles (0.00041%); highest among the groups gnomAD compares: Admixed American, 0.0022%; no homozygotes.

Submissions (2):

SIB Swiss Institute of Bioinformatics
Classification: Likely pathogenic for Nephrotic syndrome, type 20. Last evaluated: 2019-08-20. Review status: criteria provided, single submitter. Criteria: ACMG Guidelines, 2015. Collection method: curation. Allele origin: unknown.
Comment: This variant is interpreted as a Likely pathogenic for Nephrotic syndrome 20, X-linked. The following ACMG Tag(s) were applied: PM2, PP3, PS3.

OMIM
Classification: Pathogenic for NEPHROTIC SYNDROME, TYPE 20. Last evaluated: 2021-03-09. Review status: no assertion criteria provided. Collection method: literature only. Allele origin: germline. Not counted in ClinVar's aggregate classification.

Literature cited by the submitters: PubMed 30661770 (cited by SIB Swiss Institute of Bioinformatics and OMIM).